The following is an entry in ClinVar:

ClinVar aggregate classification (germline): Uncertain significance. Review status: criteria provided, multiple submitters, no conflicts (2 of 4 stars). 2 submissions from 2 submitters: Uncertain significance (2). Last evaluated 2025-07-27.

Conditions:
Inborn genetic diseases. Identifiers: MedGen C0950123, MeSH D030342.

Allele frequency attached by ClinVar (database versions not stated): ExAC 0.00002; TOPMed 0.00002; ESP Exome Variant Server 0.00008.
gnomAD v4.1: 81 of 1,613,394 alleles (0.005%); highest among the groups gnomAD compares: Non-Finnish European, 0.0063%; no homozygotes.

Submissions (2):

Labcorp Genetics (formerly Invitae), Labcorp
Classification: Uncertain significance. Last evaluated: 2025-07-27. Review status: criteria provided, single submitter. Criteria: Invitae Variant Classification Sherloc (09022015). Collection method: clinical testing. Allele origin: germline.
Comment: This sequence change replaces phenylalanine, which is neutral and non-polar, with cysteine, which is neutral and slightly polar, at codon 564 of the RIPK1 protein (p.Phe564Cys). This variant is present in population databases (rs372244053, gnomAD 0.007%). This variant has not been reported in the literature in individuals affected with RIPK1-related conditions. ClinVar contains an entry for this variant (Variation ID: 3154516). An algorithm developed to predict the effect of missense changes on protein structure and function (PolyPhen-2) suggests that this variant is likely to be tolerated. In summary, the available evidence is currently insufficient to determine the role of this variant in disease. Therefore, it has been classified as a Variant of Uncertain Significance.

Ambry Genetics
Classification: Uncertain significance for Inborn genetic diseases. Last evaluated: 2023-12-27. Review status: criteria provided, single submitter. Criteria: Ambry Variant Classification Scheme 2023. Collection method: clinical testing. Allele origin: germline.

NM_001354930.2(RIPK1):c.1691T>G (p.Phe564Cys)

Gene: RIPK1 (receptor interacting serine/threonine kinase 1; plus strand). Cytogenetic location: 6p25.2.
Variant type: single nucleotide variant.
Coding change: c.1691T>G on transcript NM_001354930.2 (MANE Select); coding-DNA position 1691, T replaced by G.
Protein change: p.Phe564Cys; replaces phenylalanine 564 with cysteine.
Molecular consequence: missense variant.
Genome position (GRCh38, 1-based): chr6:3,110,917, T>G. VCF-style: chr6-3110917-T-G. GRCh37 (hg19) VCF-style: chr6-3111151-T-G.
Other names: c.1202T>G, p.Phe401Cys (NM_001317061.3, NM_001354932.2, NM_001354933.2 and 1 more transcripts); c.1553T>G, p.Phe518Cys (NM_001354931.2); c.1691T>G, p.Phe564Cys (NM_003804.6); short protein forms F518C, F401C, F564C.
Identifiers: ClinVar variation 3154516 (VCV003154516.3), dbSNP rs372244053, ClinGen allele CA3618488.